The following is an entry in ClinVar:

NC_000002.11:g.(?_58386900)_(58453929_?)del

Genes: FANCL (FA complementation group L; minus strand), VRK2 (VRK serine/threonine kinase 2; plus strand). Cytogenetic location: 2p16.1.
Variant type: Deletion.
Identifiers: ClinVar variation 3247129 (VCV003247129.1).

ClinVar aggregate classification (germline): Pathogenic (1 of 4 stars; one submission).

Conditions:
Fanconi anemia (FA). Also called: Fanconi's anemia. Identifiers: Orphanet 84, MedGen C0015625, MeSH D005199, MONDO:0019391.

Submission:

Labcorp Genetics (formerly Invitae), Labcorp
Classification: Pathogenic for Fanconi anemia. Last evaluated: 2023-10-17. Review status: criteria provided, single submitter. Criteria: Invitae Variant Classification Sherloc (09022015). Collection method: clinical testing. Allele origin: unknown.
Comment: This variant is a gross deletion of the genomic region encompassing exon(s) 4-14 of the FANCL gene, which includes the termination codon. This deletion extends beyond the assayed region for this gene and therefore may encompass additional genes. While this deletion is not anticipated to lead to nonsense mediated decay, it is expected to alter mRNA translation or result in a truncated protein product. This variant has not been reported in the literature in individuals affected with FANCL-related conditions. This variant disrupts a region of the FANCL protein in which other variant(s) (c.1092G>A) have been determined to be pathogenic (PMID: 23613520, 31513304). This suggests that this is a clinically significant region of the protein, and that variants that disrupt it are likely to be disease-causing. For these reasons, this variant has been classified as Pathogenic.

Literature cited by the submitters: PubMed 23613520; PubMed 31513304.